The following is an entry in ClinVar:

GRCh38/hg38 Yp11.2-q11.23(chrY:2786811-26463830)x2

Genes: AMELY (amelogenin Y-linked; minus strand), BPY2 (basic charge Y-linked 2; plus strand), BPY2B (basic charge Y-linked 2B; plus strand), BPY2C (basic charge Y-linked 2C; minus strand), CDY1 (chromodomain Y-linked 1; plus strand) and 122 more. Cytogenetic location: Yp11.2-q11.23.
Variant type: copy number gain.
Change: copy number 2 of chrY:2,786,811-26,463,830 (23.68 Mb, GRCh38 coordinates, 1-based), cytogenetic band Yp11.2-q11.23.
Identifiers: ClinVar variation 58798 (VCV000058798.1).

ClinVar aggregate classification (germline): Pathogenic (1 of 4 stars; one submission).

Submission:

ISCA site 17
Classification: Pathogenic. Last evaluated: 2011-08-12. Review status: criteria provided, single submitter. Criteria: Kaminsky et al. (Genet Med. 2011). Collection method: clinical testing. Allele origin: unknown. Affected: yes. Observed: 1 variant allele.
Comment: Copy number variation identified through the course of routine clinical cytogenomic testing in postnatal populations. Clinical assertions have been curated as described in Kaminsky et al. 2011.